The following is an entry in ClinVar:

ClinVar aggregate classification (germline): Likely benign. Review status: criteria provided, multiple submitters, no conflicts (2 of 4 stars). 2 submissions from 2 submitters: Likely benign (2). Last evaluated 2026-08-01.

gnomAD v4.1: 54 of 1,548,260 alleles (0.0035%); highest among the groups gnomAD compares: Non-Finnish European, 0.0045%; no homozygotes.

Submissions (2):

CeGaT Center for Human Genetics Tuebingen
Classification: Likely benign. Last evaluated: 2026-08-01. Review status: criteria provided, single submitter. Criteria: CeGaT Center For Human Genetics Tuebingen Variant Classification Criteria Version 2. Collection method: clinical testing. Allele origin: germline. Affected: yes. Observed: 1 variant allele.
Comment: SETD1B: BP4, BP7

Blueprint Genetics
Classification: Likely benign. Last evaluated: 2023-08-08. Review status: criteria provided, single submitter. Criteria: ACMG Guidelines, 2015. Collection method: clinical testing. Allele origin: germline.

NM_001353345.2(SETD1B):c.1653G>A (p.Gln551=)

Gene: SETD1B (SET domain containing 1B, histone lysine methyltransferase; plus strand). Cytogenetic location: 12q24.31.
Variant type: single nucleotide variant.
Coding change: c.1653G>A on transcript NM_001353345.2 (MANE Select); coding-DNA position 1653, G replaced by A.
Protein change: p.Gln551=; no amino-acid change (glutamine 551 retained).
Molecular consequence: synonymous variant.
Genome position (GRCh38, 1-based): chr12:121,810,598, G>A. VCF-style: chr12-121810598-G-A. GRCh37 (hg19) VCF-style: chr12-122248504-G-A.
Identifiers: ClinVar variation 4918940 (VCV004918940.2).